The following is an entry in ClinVar:

NM_031206.7(LAS1L):c.1391G>A (p.Arg464Gln)

Gene: LAS1L (LAS1 like ribosome biogenesis factor; minus strand). Cytogenetic location: Xq12.
Variant type: single nucleotide variant.
Coding change: c.1391G>A on transcript NM_031206.7 (MANE Select); coding-DNA position 1391, G replaced by A.
Protein change: p.Arg464Gln; replaces arginine 464 with glutamine.
Molecular consequence: missense variant. On other transcripts: non-coding transcript variant (1).
Genome position (GRCh38, 1-based): chrX:65,523,617, C>T on the plus strand (G>A on the coding strand, the complement: LAS1L is on the minus strand). VCF-style: chrX-65523617-C-T. GRCh37 (hg19) VCF-style: chrX-64743497-C-T.
Other names: c.1340G>A, p.Arg447Gln (NM_001170649.2, NM_001375331.1, NM_001375333.1 and 2 more transcripts); c.1214G>A, p.Arg405Gln (NM_001170650.2); c.1391G>A, p.Arg464Gln (NM_001375328.1, NM_001375329.1, NM_001375330.1 and 2 more transcripts); c.434G>A, p.Arg145Gln (NM_001375332.1); short protein forms R145Q, R405Q, R447Q, R464Q.
Identifiers: ClinVar variation 1309604 (VCV001309604.2), dbSNP rs1001972342, ClinGen allele CA329967998.

ClinVar aggregate classification (germline): Uncertain significance (1 of 4 stars; one submission).

Allele frequency attached by ClinVar (database versions not stated): gnomAD exomes below 0.00001.

Submission:

GeneDx
Classification: Uncertain significance. Last evaluated: 2019-10-21. Review status: criteria provided, single submitter. Criteria: GeneDx Variant Classification Process June 2021. Collection method: clinical testing. Allele origin: germline. Affected: yes.
Comment: Not observed in large population cohorts (Lek et al., 2016); In silico analysis, which includes protein predictors and evolutionary conservation, supports that this variant does not alter protein structure/function; Has not been previously published as pathogenic or benign to our knowledge